The following is an entry in ClinVar:

NM_199420.4(POLQ):c.6782C>T (p.Pro2261Leu)

Gene: POLQ (DNA polymerase theta; minus strand). Cytogenetic location: 3q13.33.
Variant type: single nucleotide variant.
Coding change: c.6782C>T on transcript NM_199420.4 (MANE Select); coding-DNA position 6782, C replaced by T.
Protein change: p.Pro2261Leu; replaces proline 2261 with leucine.
Molecular consequence: missense variant.
Genome position (GRCh38, 1-based): chr3:121,468,368, G>A on the plus strand (C>T on the coding strand, the complement: POLQ is on the minus strand). VCF-style: chr3-121468368-G-A. GRCh37 (hg19) VCF-style: chr3-121187215-G-A.
Other names: short protein forms P2261L.
Identifiers: ClinVar variation 1755403 (VCV001755403.3), dbSNP rs2546770748, ClinGen allele CA354111498.

ClinVar aggregate classification (germline): Uncertain significance (1 of 4 stars; one submission).

Allele frequency attached by ClinVar (database versions not stated): gnomAD exomes below 0.00001.
gnomAD v4.1: 2 of 1,611,098 alleles (0.00012%); highest among the groups gnomAD compares: Non-Finnish European, 0.00017%; no homozygotes.

Submission:

Ambry Genetics
Classification: Uncertain significance. Last evaluated: 2024-11-11. Review status: criteria provided, single submitter. Criteria: Ambry Variant Classification Scheme 2023. Collection method: clinical testing. Allele origin: germline.
Comment: The p.P2261L variant (also known as c.6782C>T), located in coding exon 23 of the POLQ gene, results from a C to T substitution at nucleotide position 6782. The proline at codon 2261 is replaced by leucine, an amino acid with similar properties. This amino acid position is conserved. In addition, this alteration is predicted to be tolerated by in silico analysis. Since supporting evidence is limited at this time, the clinical significance of this alteration remains unclear.